The following is an entry in ClinVar:

NM_001130009.3(GEN1):c.2270C>T (p.Ser757Phe)

Gene: GEN1 (GEN1 structure-specific endonuclease; plus strand). Cytogenetic location: 2p24.2.
Variant type: single nucleotide variant.
Coding change: c.2270C>T on transcript NM_001130009.3 (MANE Select); coding-DNA position 2270, C replaced by T.
Protein change: p.Ser757Phe; replaces serine 757 with phenylalanine.
Molecular consequence: missense variant.
Genome position (GRCh38, 1-based): chr2:17,781,482, C>T. VCF-style: chr2-17781482-C-T. GRCh37 (hg19) VCF-style: chr2-17962749-C-T.
Other names: c.2270C>T, p.Ser757Phe (NM_182625.5); short protein forms S757F.
Identifiers: ClinVar variation 5022360 (VCV005022360.1).

ClinVar aggregate classification (germline): Uncertain significance (1 of 4 stars; one submission).

Submission:

Ambry Genetics
Classification: Uncertain significance. Last evaluated: 2026-09-14. Review status: criteria provided, single submitter. Criteria: Ambry Variant Classification Scheme 2023. Collection method: clinical testing. Allele origin: germline.
Comment: The p.S757F variant (also known as c.2270C>T), located in coding exon 13 of the GEN1 gene, results from a C to T substitution at nucleotide position 2270. The serine at codon 757 is replaced by phenylalanine, an amino acid with highly dissimilar properties. This amino acid position is conserved. In addition, this alteration is predicted to be tolerated by in silico analysis. Based on the available evidence, the clinical significance of this variant remains unclear.